The following is an entry in ClinVar:

ClinVar aggregate classification (germline): Uncertain significance. Review status: criteria provided, multiple submitters, no conflicts (2 of 4 stars). 5 submissions from 5 submitters: Uncertain significance (5). Last evaluated 2026-07-14.

Conditions:
TTC21B-related disorder. Also called: TTC21B-related condition; TTC21B-related disorders.
Nephronophthisis 12 (NPHP12). Identifiers: Orphanet 655, MedGen C3151186, MONDO:0013442, OMIM 613820.
Asphyxiating thoracic dystrophy 4 (SRTD4). Also called: SHORT-RIB THORACIC DYSPLASIA 4 WITH OR WITHOUT POLYDACTYLY; SHORT-RIB THORACIC DYSPLASIA 4. Identifiers: Orphanet 474, MedGen C3151185, MONDO:0013441, OMIM 613819.
Jeune thoracic dystrophy. Also called: Short-rib thoracic dysplasia; Jeune syndrome; Infantile thoracic dystrophy; Thoracic pelvic phalangeal dystrophy; Jeune's syndrome; Chondroectodermal dysplasia-like syndrome. Identifiers: Orphanet 474, MedGen C0265275, MONDO:0018770.
Nephronophthisis. Also called: Juvenile Nephronophthisis. Identifiers: Orphanet 655, MedGen C0687120, MONDO:0019005, HP:0000090.

Allele frequency attached by ClinVar (database versions not stated): gnomAD 0.00001 and 0.00002; gnomAD exomes 0.00002; TOPMed 0.00002; ExAC 0.00003; ESP Exome Variant Server 0.00008.
gnomAD v4.1: 30 of 1,613,644 alleles (0.0019%); highest among the groups gnomAD compares: East Asian, 0.0022%; no homozygotes.

Submissions (5):

PreventionGenetics, part of Exact Sciences
Classification: Uncertain significance for TTC21B-related condition. Last evaluated: 2026-07-14. Review status: criteria provided, single submitter. Criteria: ACMG Guidelines, 2015. Collection method: clinical testing. Allele origin: germline.
Comment: The TTC21B c.368G>A variant is predicted to result in the amino acid substitution p.Arg123His. To our knowledge, this variant has not been reported in the literature. This variant is reported in 0.0054% of alleles in individuals of East Asian descent in gnomAD. At this time, the clinical significance of this variant is uncertain due to the absence of conclusive functional and genetic evidence.

Labcorp Genetics (formerly Invitae), Labcorp
Classification: Uncertain significance for Jeune thoracic dystrophy; Nephronophthisis. Last evaluated: 2025-06-12. Review status: criteria provided, single submitter. Criteria: Invitae Variant Classification Sherloc (09022015). Collection method: clinical testing. Allele origin: germline.
Comment: This sequence change replaces arginine, which is basic and polar, with histidine, which is basic and polar, at codon 123 of the TTC21B protein (p.Arg123His). This variant is present in population databases (rs370484375, gnomAD 0.005%). This variant has not been reported in the literature in individuals affected with TTC21B-related conditions. ClinVar contains an entry for this variant (Variation ID: 1029924). Invitae Evidence Modeling of protein sequence and biophysical properties (such as structural, functional, and spatial information, amino acid conservation, physicochemical variation, residue mobility, and thermodynamic stability) indicates that this missense variant is not expected to disrupt TTC21B protein function with a negative predictive value of 95%. In summary, the available evidence is currently insufficient to determine the role of this variant in disease. Therefore, it has been classified as a Variant of Uncertain Significance.

Genomic Medicine Center of Excellence, King Faisal Specialist Hospital and Research Centre
Classification: Uncertain significance for Nephronophthisis 12. Last evaluated: 2024-03-25. Review status: criteria provided, single submitter. Criteria: ACMG Guidelines, 2015. Collection method: research. Allele origin: germline.

Fulgent Genetics
Classification: Uncertain significance for Asphyxiating thoracic dystrophy 4; Nephronophthisis 12. Last evaluated: 2024-01-22. Review status: criteria provided, single submitter. Criteria: ACMG Guidelines, 2015. Collection method: clinical testing. Allele origin: germline.

Baylor Genetics
Classification: Uncertain significance for Asphyxiating thoracic dystrophy 4. Last evaluated: 2019-09-20. Review status: criteria provided, single submitter. Criteria: ACMG Guidelines, 2015. Collection method: clinical testing. Allele origin: unknown. Affected: yes.
Comment: This variant was determined to be of uncertain significance according to ACMG Guidelines, 2015 [PMID:25741868].

NM_024753.5(TTC21B):c.368G>A (p.Arg123His)

Genes: TTC21B (tetratricopeptide repeat domain 21B; minus strand), TTC21B-AS1 (TTC21B antisense RNA 1; plus strand). Cytogenetic location: 2q24.3.
Variant type: single nucleotide variant.
Coding change: c.368G>A on transcript NM_024753.5 (MANE Select); coding-DNA position 368, G replaced by A.
Protein change: p.Arg123His; replaces arginine 123 with histidine.
Molecular consequence: missense variant.
Genome position (GRCh38, 1-based): chr2:165,945,585, C>T on the plus strand (G>A on the coding strand, the complement: TTC21B is on the minus strand). VCF-style: chr2-165945585-C-T. GRCh37 (hg19) VCF-style: chr2-166802095-C-T.
Other names: short protein forms R123H.
Identifiers: ClinVar variation 1029924 (VCV001029924.10), dbSNP rs370484375, ClinGen allele CA1942464.